The following is an entry in ClinVar:

ClinVar aggregate classification (germline): Uncertain significance (1 of 4 stars; one submission).

Conditions:
Familial cancer of breast. Also called: Hereditary breast cancer; hereditary breast carcinoma; BREAST CANCER, FAMILIAL. Identifiers: Orphanet 227535, MedGen C0346153, MONDO:0016419, OMIM 114480. Disease mechanism: loss of function.

Submission:

Labcorp Genetics (formerly Invitae), Labcorp
Classification: Uncertain significance for Familial cancer of breast. Last evaluated: 2025-03-27. Review status: criteria provided, single submitter. Criteria: Invitae Variant Classification Sherloc (09022015). Collection method: clinical testing. Allele origin: germline.
Comment: This variant, c.1276_1278del, results in the deletion of 1 amino acid(s) of the BARD1 protein (p.His426del), but otherwise preserves the integrity of the reading frame. This variant is not present in population databases (gnomAD no frequency). This variant has not been reported in the literature in individuals affected with BARD1-related conditions. ClinVar contains an entry for this variant (Variation ID: 947071). Experimental studies and prediction algorithms are not available or were not evaluated, and the functional significance of this variant is currently unknown. In summary, the available evidence is currently insufficient to determine the role of this variant in disease. Therefore, it has been classified as a Variant of Uncertain Significance.

NM_000465.4(BARD1):c.1276_1278del (p.His426del)

Gene: BARD1 (BRCA1 associated RING domain 1; minus strand). Cytogenetic location: 2q35.
Variant type: Deletion.
Coding change: c.1276_1278del on transcript NM_000465.4 (MANE Select); coding-DNA positions 1276 to 1278, 3 bases deleted (CAT; older notation c.1276_1278delCAT).
Protein change: p.His426del; deletes histidine 426.
Molecular consequence: inframe deletion. On other transcripts: non-coding transcript variant (2), intron variant (3).
Genome position (GRCh38, 1-based): chr2:214,780,596-214,780,598, ATG deleted on the plus strand (CAT on the coding strand, the reverse complement: BARD1 is on the minus strand); deleting any 3 consecutive bases within chr2:214,780,596-214,780,600 gives the same sequence; the c. name uses the placement nearest the transcript's 3' end. VCF-style (leftmost placement, unchanged base first): chr2-214780595-TATG-T. GRCh37 (hg19) VCF-style: chr2-215645319-TATG-T.
Other names: c.1219_1221del, p.His407del (NM_001282543.2); c.159-28043_159-28041del (NM_001282548.2); c.215+16463_215+16465del (NM_001282545.2); c.364+11699_364+11701del (NM_001282549.2); short protein forms H407del, H426del.
Identifiers: ClinVar variation 947071 (VCV000947071.10), dbSNP rs1694939793, ClinGen allele CA1139655695.